The following is an entry in ClinVar:

ClinVar aggregate classification (germline): Uncertain significance (1 of 4 stars; one submission).

Submission:

CeGaT Center for Human Genetics Tuebingen
Classification: Uncertain significance. Last evaluated: 2026-09-01. Review status: criteria provided, single submitter. Criteria: CeGaT Center For Human Genetics Tuebingen Variant Classification Criteria Version 2. Collection method: clinical testing. Allele origin: germline. Affected: yes. Observed: 1 variant allele.
Comment: ATP5PO: PM2, BP4

NM_001697.3(ATP5PO):c.178A>G (p.Lys60Glu)

Gene: ATP5PO (ATP synthase peripheral stalk subunit OSCP; minus strand). Cytogenetic location: 21q22.11.
Variant type: single nucleotide variant.
Coding change: c.178A>G on transcript NM_001697.3 (MANE Select); coding-DNA position 178, A replaced by G.
Protein change: p.Lys60Glu; replaces lysine 60 with glutamic acid.
Molecular consequence: missense variant.
Genome position (GRCh38, 1-based): chr21:33,912,309, T>C on the plus strand (A>G on the coding strand, the complement: ATP5PO is on the minus strand). VCF-style: chr21-33912309-T-C. GRCh37 (hg19) VCF-style: chr21-35284613-T-C.
Other names: short protein forms K60E.
Identifiers: ClinVar variation 5041291 (VCV005041291.1).